The following is an entry in ClinVar:

NM_014639.4(SKIC3):c.3758del (p.Asn1253fs)

Gene: SKIC3 (SKI3 subunit of superkiller complex; minus strand). Cytogenetic location: 5q15.
Variant type: Deletion.
Coding change: c.3758del on transcript NM_014639.4 (MANE Select); coding-DNA position 3758, one base deleted (A; older notation c.3758delA).
Protein change: p.Asn1253fs; shifts the reading frame from asparagine 1253.
Molecular consequence: frameshift variant.
Genome position (GRCh38, 1-based): chr5:95,494,726, T deleted on the plus strand (A on the coding strand, the reverse complement: SKIC3 is on the minus strand); the first of 7 consecutive T bases (chr5:95,494,726-95,494,732); deleting any one gives the same sequence. VCF-style (leftmost placement, unchanged base first): chr5-95494725-AT-A. GRCh37 (hg19) VCF-style: chr5-94830429-AT-A.
Other names: short protein forms N1253fs.
Identifiers: ClinVar variation 2961645 (VCV002961645.3), dbSNP rs1746702381, ClinGen allele CA1565015263.

ClinVar aggregate classification (germline): Pathogenic (1 of 4 stars; one submission).

Submission:

Labcorp Genetics (formerly Invitae), Labcorp
Classification: Pathogenic. Last evaluated: 2023-11-18. Review status: criteria provided, single submitter. Criteria: Invitae Variant Classification Sherloc (09022015). Collection method: clinical testing. Allele origin: germline.
Comment: This sequence change creates a premature translational stop signal (p.Asn1253Ilefs*4) in the TTC37 gene. It is expected to result in an absent or disrupted protein product. Loss-of-function variants in TTC37 are known to be pathogenic (PMID: 20176027, 21120949). This variant is not present in population databases (gnomAD no frequency). This variant has not been reported in the literature in individuals affected with TTC37-related conditions. For these reasons, this variant has been classified as Pathogenic.

Literature cited by the submitters: PubMed 20176027; PubMed 21120949.